The following is an entry in ClinVar:

ClinVar aggregate classification (germline): Uncertain significance (1 of 4 stars; one submission).

Conditions:
Autosomal dominant spastic paraplegia type 9. Identifiers: MedGen C1832669, MONDO:0015091.
de Barsy syndrome. Also called: Cutis laxa-corneal clouding-oligophrenia syndrome. Identifiers: Orphanet 2962, MedGen C0268354, MONDO:0017569.
Cutis laxa, autosomal dominant 3 (ADCL3). Identifiers: Orphanet 90348, MedGen C4225268, MONDO:0014706, OMIM 616603.

Submission:

Labcorp Genetics (formerly Invitae), Labcorp
Classification: Uncertain significance for Autosomal dominant spastic paraplegia type 9; de Barsy syndrome; Cutis laxa, autosomal dominant 3. Last evaluated: 2026-01-06. Review status: criteria provided, single submitter. Criteria: Invitae Variant Classification Sherloc (09022015). Collection method: clinical testing. Allele origin: germline.
Comment: This sequence change replaces valine, which is neutral and non-polar, with phenylalanine, which is neutral and non-polar, at codon 681 of the ALDH18A1 protein (p.Val681Phe). This variant is present in population databases (no rsID available, gnomAD 0.0009%). This variant has not been reported in the literature in individuals affected with ALDH18A1-related conditions. ClinVar contains an entry for this variant (Variation ID: 2151420). Invitae Evidence Modeling of protein sequence and biophysical properties (such as structural, functional, and spatial information, amino acid conservation, physicochemical variation, residue mobility, and thermodynamic stability) has been performed for this missense variant. However, the output from this modeling did not meet the statistical confidence thresholds required to predict the impact of this variant on ALDH18A1 protein function. In summary, the available evidence is currently insufficient to determine the role of this variant in disease. Therefore, it has been classified as a Variant of Uncertain Significance.

NM_002860.4(ALDH18A1):c.2041G>T (p.Val681Phe)

Gene: ALDH18A1 (aldehyde dehydrogenase 18 family member A1; minus strand). Cytogenetic location: 10q24.1.
Variant type: single nucleotide variant.
Coding change: c.2041G>T on transcript NM_002860.4 (MANE Select); coding-DNA position 2041, G replaced by T.
Protein change: p.Val681Phe; replaces valine 681 with phenylalanine.
Molecular consequence: missense variant.
Genome position (GRCh38, 1-based): chr10:95,611,325, C>A on the plus strand (G>T on the coding strand, the complement: ALDH18A1 is on the minus strand). VCF-style: chr10-95611325-C-A. GRCh37 (hg19) VCF-style: chr10-97371082-C-A.
Other names: c.2035G>T, p.Val679Phe (NM_001017423.2, NM_001323415.2); c.1708G>T, p.Val570Phe (NM_001323412.2, NM_001323416.2); c.2041G>T, p.Val681Phe (NM_001323413.2, NM_001323414.2); c.1936G>T, p.Val646Phe (NM_001323417.2); c.1702G>T, p.Val568Phe (NM_001323418.2); c.1405G>T, p.Val469Phe (NM_001323419.2); short protein forms V469F, V568F, V679F, V646F, V570F, V681F.
Identifiers: ClinVar variation 2151420 (VCV002151420.4), dbSNP rs764233894, ClinGen allele CA377699935.